The following is an entry in ClinVar:

ClinVar aggregate classification (germline): Pathogenic (1 of 4 stars; one submission).

Conditions:
Cohen syndrome (COH1). Also called: Cutis verticis gyrata, retinitis pigmentosa, and sensorineural deafness; PEPPER SYNDROME. Identifiers: Orphanet 193, MedGen C0265223, MONDO:0008999, OMIM 216550.

Submission:

Labcorp Genetics (formerly Invitae), Labcorp
Classification: Pathogenic for Cohen syndrome. Last evaluated: 2022-08-24. Review status: criteria provided, single submitter. Criteria: Invitae Variant Classification Sherloc (09022015). Collection method: clinical testing. Allele origin: germline.
Comment: For these reasons, this variant has been classified as Pathogenic. This variant has not been reported in the literature in individuals affected with VPS13B-related conditions. This variant is not present in population databases (gnomAD no frequency). This sequence change creates a premature translational stop signal (p.Leu2258Thrfs*2) in the VPS13B gene. It is expected to result in an absent or disrupted protein product. Loss-of-function variants in VPS13B are known to be pathogenic (PMID: 15141358, 16648375, 20461111).

Literature cited by the submitters: PubMed 15141358; PubMed 16648375; PubMed 20461111.

NM_152564.5(VPS13B):c.6697_6698del (p.Leu2233fs)

Gene: VPS13B (vacuolar protein sorting 13 homolog B; plus strand). Cytogenetic location: 8q22.2.
Variant type: Deletion.
Coding change: c.6697_6698del on transcript NM_152564.5 (MANE Select); coding-DNA positions 6697 to 6698, 2 bases deleted (CT; older notation c.6697_6698delCT).
Protein change: p.Leu2233fs; shifts the reading frame from leucine 2233.
Molecular consequence: frameshift variant.
Genome position (GRCh38, 1-based): chr8:99,720,384-99,720,385, CT deleted; deleting any 2 consecutive bases within chr8:99,720,383-99,720,385 gives the same sequence; the c. name uses the placement nearest the transcript's 3' end. VCF-style (leftmost placement, unchanged base first): chr8-99720382-TTC-T. GRCh37 (hg19) VCF-style: chr8-100732610-TTC-T.
Other names: c.6772_6773del, p.Leu2258fs (NM_017890.5); short protein forms L2233fs, L2258fs.
Identifiers: ClinVar variation 2026854 (VCV002026854.4), dbSNP rs2491577168, ClinGen allele CA2580079152.